The following is an entry in ClinVar:

NM_002693.3(POLG):c.1509G>C (p.Val503=)

Gene: POLG (DNA polymerase gamma, catalytic subunit; minus strand). Cytogenetic location: 15q26.1.
Variant type: single nucleotide variant.
Coding change: c.1509G>C on transcript NM_002693.3 (MANE Select); coding-DNA position 1509, G replaced by C.
Protein change: p.Val503=; no amino-acid change (valine 503 retained).
Molecular consequence: synonymous variant.
Genome position (GRCh38, 1-based): chr15:89,326,988, C>G on the plus strand (G>C on the coding strand, the complement: POLG is on the minus strand). VCF-style: chr15-89326988-C-G. GRCh37 (hg19) VCF-style: chr15-89870219-C-G.
Other names: c.1509G>C, p.Val503= (NM_001126131.2).
Identifiers: ClinVar variation 1141169 (VCV001141169.11), dbSNP rs1018980768, ClinGen allele CA274556191.

ClinVar aggregate classification (germline): Conflicting classifications of pathogenicity. Review status: criteria provided, conflicting classifications (1 of 4 stars). 2 submissions from 2 submitters: Uncertain significance (1); Likely benign (1). Last evaluated 2023-12-09.

Conditions:
Progressive sclerosing poliodystrophy (MTDPS4A). Also called: NEURONAL DEGENERATION OF CHILDHOOD WITH LIVER DISEASE, PROGRESSIVE; Mitochondrial DNA depletion syndrome 4A (Alpers type); Mitochondrial DNA Depletion Syndrome 4A; Alpers-Huttenlocher Syndrome (AHS); ALPERS PROGRESSIVE INFANTILE POLIODYSTROPHY; Alpers-Huttenlocher Syndrome. Identifiers: Orphanet 726, MedGen C0205710, MONDO:0008758, OMIM 203700.
Sensory ataxic neuropathy, dysarthria, and ophthalmoparesis (SANDO). Also called: SENSORY ATAXIC NEUROPATHY WITH MITOCHONDRIAL DNA DELETIONS, AUTOSOMAL RECESSIVE; Ataxia Neuropathy Spectrum (ANS); Sensory ataxic neuropathy-dysarthria-ophthalmoparesis syndrome; Epilepsy, progressive myoclonic, type 5. Identifiers: Orphanet 70595, MedGen C1843851, MONDO:0011835, OMIM 607459.
Mitochondrial DNA depletion syndrome 4b. Also called: Mitochondrial Neurogastrointestinal Encephalopathy Disease, POLG-Related; MNGIE, POLG-RELATED. Identifiers: Orphanet 298, MedGen C3150914, MONDO:0013350, OMIM 613662.
Progressive external ophthalmoplegia with mitochondrial DNA deletions, autosomal dominant 1 (PEOA1). Also called: PROGRESSIVE EXTERNAL OPHTHALMOPLEGIA, AUTOSOMAL DOMINANT 1; Autosomal Dominant Progressive External Ophthalmoplegia (adPEO). Identifiers: MedGen C1834846, MONDO:0024528, OMIM 157640.
Progressive external ophthalmoplegia with mitochondrial DNA deletions, autosomal recessive 1 (PEOB1). Also called: Autosomal Recessive Progressive External Ophthalmoplegia (arPEO); Progressive external ophthalmoplegia, autosomal recessive 1. Identifiers: Orphanet 254886, MedGen C4225153, MONDO:0009783, OMIM 258450.

Allele frequency attached by ClinVar (database versions not stated): gnomAD exomes below 0.00001; gnomAD 0.00001; TOPMed 0.00001.
gnomAD v4.1: 3 of 1,614,262 alleles (0.00019%); highest among the groups gnomAD compares: East Asian, 0.0022%; no homozygotes.

Submissions (2):

Labcorp Genetics (formerly Invitae), Labcorp
Classification: Likely benign for Progressive sclerosing poliodystrophy. Last evaluated: 2023-12-09. Review status: criteria provided, single submitter. Criteria: Invitae Variant Classification Sherloc (09022015). Collection method: clinical testing. Allele origin: germline.

Juno Genomics, Hangzhou Juno Genomics, Inc
Classification: Uncertain significance for Progressive sclerosing poliodystrophy; Sensory ataxic neuropathy, dysarthria, and ophthalmoparesis; Mitochondrial DNA depletion syndrome 4b; Progressive external ophthalmoplegia with mitochondrial DNA deletions, autosomal dominant 1; Progressive external ophthalmoplegia with mitochondrial DNA deletions, autosomal recessive 1. Review status: criteria provided, single submitter. Criteria: ACMG Guidelines, 2015. Collection method: clinical testing. Allele origin: germline.
Comment: Absent from controls (or at extremely low frequency if recessive) in Genome Aggregation Database.;Multiple lines of computational evidence suggest no impact on gene or gene product.